The following is an entry in ClinVar:

NM_005045.4(RELN):c.1555-4A>G

Gene: RELN (reelin; minus strand). Cytogenetic location: 7q22.1.
Variant type: single nucleotide variant.
Coding change: c.1555-4A>G on transcript NM_005045.4 (MANE Select); 4 bases into the intron before coding-DNA position 1555, A replaced by G.
Molecular consequence: intron variant.
Genome position (GRCh38, 1-based): chr7:103,652,763, T>C on the plus strand (A>G on the coding strand, the complement: RELN is on the minus strand). VCF-style: chr7-103652763-T-C. GRCh37 (hg19) VCF-style: chr7-103293210-T-C.
Other names: c.1555-4A>G (NM_173054.3).
Identifiers: ClinVar variation 2948768 (VCV002948768.3), dbSNP rs2484840851, ClinGen allele CA2740097480.
Genomic context (GRCh38, chr7:103,652,763, plus strand): 5'-TTTGGTAGCAGGAGTCTGAAGTTCAGGATTGATGACCACAGAAACCAAAGACGGAACCTT[T>C]CAAACAAAGGAGACCAGAATCACTCAAAATCCTTTCTAGGCTAGTCCATGTAAATTCTCC-3'

ClinVar aggregate classification (germline): Uncertain significance (1 of 4 stars; one submission).

Conditions:
Familial temporal lobe epilepsy 7. Identifiers: Orphanet 101046, MedGen C4225327, MONDO:0014639, OMIM 616436.
Norman-Roberts syndrome (LIS2). Also called: Lissencephaly 2 (Norman-Roberts type). Identifiers: Orphanet 89844, MedGen C0796089, MONDO:0009760, OMIM 257320.

Submission:

Labcorp Genetics (formerly Invitae), Labcorp
Classification: Uncertain significance for Familial temporal lobe epilepsy 7; Norman-Roberts syndrome. Last evaluated: 2023-06-11. Review status: criteria provided, single submitter. Criteria: Invitae Variant Classification Sherloc (09022015). Collection method: clinical testing. Allele origin: germline.
Comment: This sequence change falls in intron 13 of the RELN gene. It does not directly change the encoded amino acid sequence of the RELN protein. In summary, the available evidence is currently insufficient to determine the role of this variant in disease. Therefore, it has been classified as a Variant of Uncertain Significance. Algorithms developed to predict the effect of sequence changes on RNA splicing suggest that this variant may disrupt the consensus splice site. This variant has not been reported in the literature in individuals affected with RELN-related conditions. This variant is not present in population databases (gnomAD no frequency).